The following is an entry in ClinVar:

ClinVar aggregate classification (germline): Uncertain significance (1 of 4 stars; one submission).

Conditions:
Nemaline myopathy 2 (NEM2). Also called: Nemaline myopathy 2, autosomal recessive. Identifiers: MedGen C1850569, MONDO:0009725, OMIM 256030.

Allele frequency attached by ClinVar (database versions not stated): gnomAD 0.00001; TOPMed 0.00001; ExAC 0.00002.
gnomAD v4.1: 3 of 1,602,988 alleles (0.00019%); highest among the groups gnomAD compares: Non-Finnish European, 0.00026%; no homozygotes.

Submission:

Labcorp Genetics (formerly Invitae), Labcorp
Classification: Uncertain significance for Nemaline myopathy 2. Last evaluated: 2022-07-06. Review status: criteria provided, single submitter. Criteria: Invitae Variant Classification Sherloc (09022015). Collection method: clinical testing. Allele origin: germline.
Comment: This sequence change replaces methionine, which is neutral and non-polar, with lysine, which is basic and polar, at codon 335 of the NEB protein (p.Met335Lys). This variant is present in population databases (rs771023811, gnomAD 0.002%). This variant has not been reported in the literature in individuals affected with NEB-related conditions. Algorithms developed to predict the effect of missense changes on protein structure and function are either unavailable or do not agree on the potential impact of this missense change (SIFT: "Deleterious"; PolyPhen-2: "Not Available"; Align-GVGD: "Class C0"). In summary, the available evidence is currently insufficient to determine the role of this variant in disease. Therefore, it has been classified as a Variant of Uncertain Significance.

NM_001164508.2(NEB):c.1004T>A (p.Met335Lys)

Gene: NEB (nebulin; minus strand). Cytogenetic location: 2q23.3.
Variant type: single nucleotide variant.
Coding change: c.1004T>A on transcript NM_001164508.2 (MANE Select); coding-DNA position 1004, T replaced by A.
Protein change: p.Met335Lys; replaces methionine 335 with lysine.
Molecular consequence: missense variant.
Genome position (GRCh38, 1-based): chr2:151,709,687, A>T on the plus strand (T>A on the coding strand, the complement: NEB is on the minus strand). VCF-style: chr2-151709687-A-T. GRCh37 (hg19) VCF-style: chr2-152566201-A-T.
Other names: c.1004T>A, p.Met335Lys (NM_001164507.2, NM_001271208.2, NM_004543.5); short protein forms M335K.
Identifiers: ClinVar variation 2158884 (VCV002158884.1), dbSNP rs771023811, ClinGen allele CA1911718.
Genomic context (GRCh38, chr2:151,709,687, plus strand): 5'-TCAAGATAAATGGGATGATTTCCTCATACCTTGCTAGCTGCCACACCAGCTTTTTTATTC[A>T]TTTTATACTCTGGTGTTTCGGTCTGCATGAAGTAGATCTGGTCTTTCATGTTTTCAAAAT-3'
Protein context (NP_001157980.2, residues 325-345): FMQTETPEYK[Met335Lys]NKKAGVAASK